The following is an entry in ClinVar:

ClinVar aggregate classification (germline): Likely benign (1 of 4 stars; one submission).

Allele frequency attached by ClinVar (database versions not stated): ExAC 0.00012; 1000 Genomes Project 0.00160; gnomAD exomes 0.00174; 1000 Genomes Project 30x 0.00187; gnomAD 0.00214.
gnomAD v4.1: 2,884 of 1,607,712 alleles (0.18%); highest among the groups gnomAD compares: Admixed American, 0.41%; 129 homozygotes.

Submission:

CeGaT Center for Human Genetics Tuebingen
Classification: Likely benign. Last evaluated: 2023-04-01. Review status: criteria provided, single submitter. Criteria: CeGaT Center For Human Genetics Tuebingen Variant Classification Criteria Version 2. Collection method: clinical testing. Allele origin: germline. Affected: yes. Observed: 2 variant alleles.
Comment: MRGPRX1: BS2

NM_001393578.1(MRGPRX1):c.579G>T (p.Gly193=)

Gene: MRGPRX1 (MAS related GPR family member X1; minus strand). Cytogenetic location: 11p15.1.
Variant type: single nucleotide variant.
Coding change: c.579G>T on transcript NM_001393578.1 (MANE Select); coding-DNA position 579, G replaced by T.
Protein change: p.Gly193=; no amino-acid change (glycine 193 retained).
Molecular consequence: synonymous variant.
Genome position (GRCh38, 1-based): chr11:18,934,206, C>A on the plus strand (G>T on the coding strand, the complement: MRGPRX1 is on the minus strand). VCF-style: chr11-18934206-C-A. GRCh37 (hg19) VCF-style: chr11-18955753-C-A.
Other names: c.579G>T, p.Gly193= (NM_147199.4).
Identifiers: ClinVar variation 2641673 (VCV002641673.24), dbSNP rs147288525, ClinGen allele CA5915473.